The following is an entry in ClinVar:

NM_001369369.1(FOXN1):c.1216G>A (p.Gly406Ser)

Gene: FOXN1 (forkhead box N1; plus strand). Cytogenetic location: 17q11.2.
Variant type: single nucleotide variant.
Coding change: c.1216G>A on transcript NM_001369369.1 (MANE Select); coding-DNA position 1216, G replaced by A.
Protein change: p.Gly406Ser; replaces glycine 406 with serine.
Molecular consequence: missense variant.
Genome position (GRCh38, 1-based): chr17:28,534,787, G>A. VCF-style: chr17-28534787-G-A. GRCh37 (hg19) VCF-style: chr17-26861805-G-A.
Other names: c.1216G>A, p.Gly406Ser (NM_003593.3); short protein forms G406S.
Identifiers: ClinVar variation 322429 (VCV000322429.9), dbSNP rs772140783, ClinGen allele CA8459476.
Genomic context (GRCh38, chr17:28,534,787, plus strand): 5'-GGAGACAAGAGAGAAAAGCTGGGCTCCCCACTCCTGGGCTGTCCGCCCCCTGGGCTGTCC[G>A]GCTCAGGCCCCATCCGGCCCCTGGCACCCCCAGCTGGCCTCTCCCCACCACTGCACTCAC-3'
Protein context (NP_001356298.1, residues 396-416): LLGCPPPGLS[Gly406Ser]SGPIRPLAPP

ClinVar aggregate classification (germline): Uncertain significance. Review status: criteria provided, multiple submitters, no conflicts (2 of 4 stars). 2 submissions from 2 submitters: Uncertain significance (2). Last evaluated 2024-12-02.

Conditions:
T-cell immunodeficiency, congenital alopecia, and nail dystrophy. Also called: Congenital alopecia and nail dystrophy associated with severe functional T-cell immunodeficiency; Pignata Guarino syndrome. Identifiers: Orphanet 169095, MedGen C1866426, MONDO:0011132, OMIM 601705.

Allele frequency attached by ClinVar (database versions not stated): gnomAD exomes 0.00001; TOPMed 0.00001; ExAC 0.00002.
gnomAD v4.1: 16 of 1,613,650 alleles (0.00099%); highest among the groups gnomAD compares: East Asian, 0.0045%; no homozygotes.

Submissions (2):

Labcorp Genetics (formerly Invitae), Labcorp
Classification: Uncertain significance for T-cell immunodeficiency, congenital alopecia, and nail dystrophy. Last evaluated: 2024-12-02. Review status: criteria provided, single submitter. Criteria: Invitae Variant Classification Sherloc (09022015). Collection method: clinical testing. Allele origin: germline.
Comment: This sequence change replaces glycine, which is neutral and non-polar, with serine, which is neutral and polar, at codon 406 of the FOXN1 protein (p.Gly406Ser). This variant is present in population databases (rs772140783, gnomAD 0.005%). This variant has not been reported in the literature in individuals affected with FOXN1-related conditions. ClinVar contains an entry for this variant (Variation ID: 322429). Invitae Evidence Modeling of protein sequence and biophysical properties (such as structural, functional, and spatial information, amino acid conservation, physicochemical variation, residue mobility, and thermodynamic stability) indicates that this missense variant is not expected to disrupt FOXN1 protein function with a negative predictive value of 80%. In summary, the available evidence is currently insufficient to determine the role of this variant in disease. Therefore, it has been classified as a Variant of Uncertain Significance.

Illumina Laboratory Services, Illumina
Classification: Uncertain significance for T-cell immunodeficiency, congenital alopecia, and nail dystrophy. Last evaluated: 2018-01-13. Review status: criteria provided, single submitter. Criteria: ICSL Variant Classification Criteria 13 December 2019. Collection method: clinical testing. Allele origin: germline.